The following is an entry in ClinVar:

NM_000219.6(KCNE1):c.260G>A (p.Trp87Ter)

Gene: KCNE1 (potassium voltage-gated channel subfamily E regulatory subunit 1; minus strand). Cytogenetic location: 21q22.12.
Variant type: single nucleotide variant.
Coding change: c.260G>A on transcript NM_000219.6 (MANE Select); coding-DNA position 260, G replaced by A.
Protein change: p.Trp87Ter; replaces tryptophan 87 with a stop codon.
Molecular consequence: nonsense.
Genome position (GRCh38, 1-based): chr21:34,449,375, C>T on the plus strand (G>A on the coding strand, the complement: KCNE1 is on the minus strand). VCF-style: chr21-34449375-C-T. GRCh37 (hg19) VCF-style: chr21-35821673-C-T.
Other names: c.260G>A, p.Trp87Ter (NM_001127668.4, NM_001127669.4, NM_001127670.4 and 4 more transcripts); short protein forms W87*.
Identifiers: ClinVar variation 3374465 (VCV003374465.3).

ClinVar aggregate classification (germline): Uncertain significance (1 of 4 stars; one submission).

Submissions (2):

GeneDx
Classification: Uncertain significance. Last evaluated: 2024-07-13. Review status: criteria provided, single submitter. Criteria: GeneDx Variant Classification Process June 2021. Collection method: clinical testing. Allele origin: germline. Affected: yes.
Comment: Not observed at significant frequency in large population cohorts (gnomAD); Nonsense variant predicted to result in protein truncation as the last 43 amino acids are lost in a gene for which loss-of-function is not a known mechanism of disease; Has not been previously published as pathogenic or benign to our knowledge

Roden Lab, Vanderbilt University Medical Center
No classification provided (evidence only). Condition: Long QT syndrome 5. Review status: no classification provided. Collection method: in vitro. Allele origin: not applicable. Functional consequence: Effect on ion channel function. Not counted in ClinVar's aggregate classification.
ClinVar note: "not provided" was previously submitted as the classification for the variant. However, the classification appeared to be based only on an observation of functional data so it was converted to no classification on 2025-07-30.